The following is an entry in ClinVar:

NM_003482.4(KMT2D):c.6397G>A (p.Ala2133Thr)

Gene: KMT2D (lysine methyltransferase 2D; minus strand). Cytogenetic location: 12q13.12.
Variant type: single nucleotide variant.
Coding change: c.6397G>A on transcript NM_003482.4 (MANE Select); coding-DNA position 6397, G replaced by A.
Protein change: p.Ala2133Thr; replaces alanine 2133 with threonine.
Molecular consequence: missense variant.
Genome position (GRCh38, 1-based): chr12:49,041,373, C>T on the plus strand (G>A on the coding strand, the complement: KMT2D is on the minus strand). VCF-style: chr12-49041373-C-T. GRCh37 (hg19) VCF-style: chr12-49435156-C-T.
Other names: short protein forms A2133T.
Identifiers: ClinVar variation 5005116 (VCV005005116.2).

ClinVar aggregate classification (germline): Uncertain significance (1 of 4 stars; one submission).

Conditions:
Choanal atresia-athelia-hypothyroidism-delayed puberty-short stature syndrome (BCAHH). Also called: BRANCHIAL ARCH ABNORMALITIES, CHOANAL ATRESIA, ATHELIA, HEARING LOSS, AND HYPOTHYROIDISM SYNDROME. Identifiers: Orphanet 589856, MedGen C5680310, MONDO:0035651, OMIM 620186.
Kabuki syndrome 1 (KABUK1). Also called: KMT2D-Related Kabuki Syndrome. Identifiers: Orphanet 2322, MedGen CN030661, MONDO:0007843, OMIM 147920.

Submission:

Juno Genomics, Hangzhou Juno Genomics, Inc
Classification: Uncertain significance for Choanal atresia-athelia-hypothyroidism-delayed puberty-short stature syndrome; Kabuki syndrome 1. Review status: criteria provided, single submitter. Criteria: ACMG Guidelines, 2015. Collection method: clinical testing. Allele origin: germline.
Comment: Absent from controls (or at extremely low frequency if recessive) in Genome Aggregation Database.;Missense variant in a gene that has a low rate of benign missense variation.